The following is an entry in ClinVar:

ClinVar aggregate classification (germline): Benign (1 of 4 stars; one submission).

Conditions:
Von Hippel-Lindau syndrome (VHLS). Also called: Von Hippel-Lindau; von Hippel–Lindau syndrome; VHL syndrome. Identifiers: Orphanet 892, MedGen C0019562, MONDO:0008667, OMIM 193300. Disease mechanism: loss of function.

Submission:

Myriad Genetics, Inc.
Classification: Benign for Von Hippel-Lindau syndrome. Last evaluated: 2025-06-10. Review status: criteria provided, single submitter. Criteria: Myriad Autosomal Dominant, Autosomal Recessive and X-Linked Classification Criteria (2023). Collection method: clinical testing. Allele origin: unknown.
Comment: This variant is considered benign. This variant is a silent/synonymous amino acid change and it is not expected to impact splicing.

NM_000551.4(VHL):c.120G>C (p.Pro40=)

Gene: VHL (von Hippel-Lindau tumor suppressor; plus strand). Cytogenetic location: 3p25.3.
Variant type: single nucleotide variant.
Coding change: c.120G>C on transcript NM_000551.4 (MANE Select); coding-DNA position 120, G replaced by C.
Protein change: p.Pro40=; no amino-acid change (proline 40 retained).
Molecular consequence: synonymous variant. On other transcripts: non-coding transcript variant (1).
Genome position (GRCh38, 1-based): chr3:10,141,967, G>C. VCF-style: chr3-10141967-G-C. GRCh37 (hg19) VCF-style: chr3-10183651-G-C.
Other names: c.120G>C, p.Pro40= (NM_001354723.2, NM_198156.3).
Identifiers: ClinVar variation 4071060 (VCV004071060.1).